The following is an entry in ClinVar:

ClinVar aggregate classification (germline): Uncertain significance. Review status: criteria provided, multiple submitters, no conflicts (2 of 4 stars). 4 submissions from 4 submitters: Uncertain significance (4). Last evaluated 2025-12-22.

Conditions:
Cardiovascular phenotype. Identifiers: MedGen CN230736.
Atrioventricular septal defect 4 (AVSD4). Identifiers: MedGen C3280781, MONDO:0013747, OMIM 614430.
Atrial septal defect 2 (ASD2). Identifiers: Orphanet 1478, MedGen C1842778, MONDO:0011938, OMIM 607941.
Tetralogy of Fallot (TOF). Identifiers: Orphanet 3303, MedGen C0039685, MONDO:0008542, OMIM 187500, HP:0001636.
Ventricular septal defect 1 (VSD1). Identifiers: MedGen C3280777, MONDO:0013746, OMIM 614429.

gnomAD v4.1: 2 of 1,614,216 alleles (0.00012%); highest among the groups gnomAD compares: East Asian, 0.0045%; no homozygotes.

Submissions (4):

Labcorp Genetics (formerly Invitae), Labcorp
Classification: Uncertain significance for Atrioventricular septal defect 4. Last evaluated: 2025-12-22. Review status: criteria provided, single submitter. Criteria: Invitae Variant Classification Sherloc (09022015). Collection method: clinical testing. Allele origin: germline.
Comment: This sequence change replaces isoleucine, which is neutral and non-polar, with leucine, which is neutral and non-polar, at codon 439 of the GATA4 protein (p.Ile439Leu). This variant is not present in population databases (gnomAD no frequency). This missense change has been observed in individual(s) with clinical features of GATA4-related conditions (PMID: 35063694). ClinVar contains an entry for this variant (Variation ID: 518784). Invitae Evidence Modeling of protein sequence and biophysical properties (such as structural, functional, and spatial information, amino acid conservation, physicochemical variation, residue mobility, and thermodynamic stability) has been performed for this missense variant. However, the output from this modeling did not meet the statistical confidence thresholds required to predict the impact of this variant on GATA4 protein function. In summary, the available evidence is currently insufficient to determine the role of this variant in disease. Therefore, it has been classified as a Variant of Uncertain Significance.

Ambry Genetics
Classification: Uncertain significance for Cardiovascular phenotype. Last evaluated: 2024-05-07. Review status: criteria provided, single submitter. Criteria: Ambry Variant Classification Scheme 2023. Collection method: clinical testing. Allele origin: germline.
Comment: The p.I439L variant (also known as c.1315A>T), located in coding exon 6 of the GATA4 gene, results from an A to T substitution at nucleotide position 1315. The isoleucine at codon 439 is replaced by leucine, an amino acid with highly similar properties. This amino acid position is highly conserved in available vertebrate species. In addition, this alteration is predicted to be deleterious by in silico analysis. Based on the available evidence, the clinical significance of this variant remains unclear.

Clinical Genomics Laboratory, Stanford Medicine
Classification: Uncertain significance for Tetralogy of Fallot; Atrial septal defect 2; Atrioventricular septal defect 4; Ventricular septal defect 1. Last evaluated: 2023-04-07. Review status: criteria provided, single submitter. Criteria: ACMG Guidelines, 2015. Collection method: clinical testing. Allele origin: germline. Observed: 1 variant allele, 1 heterozygote.
Comment: The p.Ile439Leu variant in the GATA4 gene has been previously reported in an individual with primary fibrotic atrial cardiomyopathy (Zhu et al., 2022). Variants in the NEBL and TTN genes were also identified in this individual. This variant was absent from large population databases, including the Genome Aggregation Database. This variant is present in ClinVar (VCV000518784.13). The isoleucine at position 439 is evolutionarily conserved. Computational tools predict that the p.Ile439Leu variant is deleterious; however, the accuracy of in silico algorithms is limited. These data were assessed using the ACMG/AMP variant interpretation guidelines. In summary, the significance of the p.Ile439Leu variant is uncertain. Additional information is needed to resolve the significance of this variant. [ACMG evidence codes used: PM2; PP3]

Women's Health and Genetics/Laboratory Corporation of America, LabCorp
Classification: Uncertain significance. Last evaluated: 2022-07-25. Review status: criteria provided, single submitter. Criteria: LabCorp Variant Classification Summary - May 2015. Collection method: clinical testing. Allele origin: germline.
Comment: Variant summary: GATA4 c.1315A>T (p.Ile439Leu) results in a conservative amino acid change in the encoded protein sequence. Two of four in-silico tools predict a benign effect of the variant on protein function. The variant was absent in 251488 control chromosomes. The available data on variant occurrences in the general population are insufficient to allow any conclusion about variant significance. c.1315A>T has been reported in the literature in an individual affected with Primary fibrotic atrial cardiomyopathy (Zhu_2022). This report does not provide unequivocal conclusions about association of the variant with Congenital Heart Disease. To our knowledge, no experimental evidence demonstrating an impact on protein function has been reported. Two clinical diagnostic laboratories have submitted clinical-significance assessments for this variant to ClinVar after 2014 without evidence for independent evaluation. All laboratories classified the variant as uncertain significance. Based on the evidence outlined above, the variant was classified as uncertain significance.

Literature cited by the submitters: PubMed 35063694 (cited by 3 submitters).

NM_001308093.3(GATA4):c.1318A>T (p.Ile440Leu)

Gene: GATA4 (GATA binding protein 4). Cytogenetic location: 8p23.1.
Variant type: single nucleotide variant.
Coding change: c.1318A>T on transcript NM_001308093.3 (MANE Select); coding-DNA position 1318, A replaced by T.
Protein change: p.Ile440Leu; replaces isoleucine 440 with leucine.
Molecular consequence: missense variant.
Genome position (GRCh38, 1-based): chr8:11,758,461, A>T. VCF-style: chr8-11758461-A-T. GRCh37 (hg19) VCF-style: chr8-11615970-A-T.
Other names: c.697A>T, p.Ile233Leu (NM_001308094.2, NM_001374273.1); c.571A>T, p.Ile191Leu (NM_001374274.1); c.1315A>T, p.Ile439Leu (NM_002052.5); short protein forms I439L, I440L, I233L, I191L.
Identifiers: ClinVar variation 518784 (VCV000518784.15), dbSNP rs772619099, ClinGen allele CA370315871.